The following is an entry in ClinVar:

NM_001193313.2(SUGCT):c.313-11_313-10del

Gene: SUGCT (succinyl-CoA:glutarate-CoA transferase; plus strand). Cytogenetic location: 7p14.1.
Variant type: Deletion.
Coding change: c.313-11_313-10del on transcript NM_001193313.2 (MANE Select); 11 bases into the intron before coding-DNA position 313 through 10 bases into the intron before coding-DNA position 313, 2 bases deleted (TT; older notation c.313-11_313-10delTT).
Molecular consequence: intron variant.
Genome position (GRCh38, 1-based): chr7:40,189,533-40,189,534, TT deleted; deleting any 2 consecutive bases within chr7:40,189,529-40,189,534 gives the same sequence; the c. name uses the placement nearest the transcript's 3' end. VCF-style (leftmost placement, unchanged base first): chr7-40189528-ATT-A. GRCh37 (hg19) VCF-style: chr7-40229127-ATT-A.
Other names: c.313-11_313-10del (NM_001193311.2, NM_001193312.2, NM_024728.3).
Identifiers: ClinVar variation 3058714 (VCV003058714.2), dbSNP rs749468859, ClinGen allele CA4229432.
Genomic context (GRCh38, chr7:40,189,528, plus strand): 5'-GCATAGTGGTGGGGATTGGGCTTCTTGTGTTTTGGTCATCGAAATAATATATATATATAT[ATT>A]TTTTAATTTTTAGAGTATTGCTGTTAATATCAAGGATCCAAAAGGGGTGAAAATCATCAA-3'

ClinVar aggregate classification (germline): Likely benign (0 of 4 stars; one submission).

Conditions:
SUGCT-related disorder. Also called: SUGCT-related condition.

Submission:

PreventionGenetics, part of Exact Sciences
Classification: Likely benign for SUGCT-related condition. Last evaluated: 2019-04-18. Review status: no assertion criteria provided. Collection method: clinical testing. Allele origin: germline.
Comment: This variant is classified as likely benign based on ACMG/AMP sequence variant interpretation guidelines (Richards et al. 2015 PMID: 25741868, with internal and published modifications).